The following is an entry in ClinVar:

NM_001353694.2(TIAM1):c.624C>T (p.Cys208=)

Gene: TIAM1 (TIAM Rac1 associated GEF 1; minus strand). Cytogenetic location: 21q22.11.
Variant type: single nucleotide variant.
Coding change: c.624C>T on transcript NM_001353694.2 (MANE Select); coding-DNA position 624, C replaced by T.
Protein change: p.Cys208=; no amino-acid change (cysteine 208 retained).
Molecular consequence: synonymous variant.
Genome position (GRCh38, 1-based): chr21:31,266,349, G>A on the plus strand (C>T on the coding strand, the complement: TIAM1 is on the minus strand). VCF-style: chr21-31266349-G-A. GRCh37 (hg19) VCF-style: chr21-32638665-G-A.
Other names: NC_000021.8:g.32638665G>A; c.624C>T, p.Cys208= (NM_001353686.2, NM_001353687.2, NM_001353688.1 and 6 more transcripts).
Identifiers: ClinVar variation 3040272 (VCV003040272.10), dbSNP rs144719094, ClinGen allele CA9998633.

ClinVar aggregate classification (germline): Likely benign. Review status: criteria provided, multiple submitters, no conflicts (2 of 4 stars). 3 submissions from 3 submitters: Likely benign (2). 1 of the submissions does not count toward it. Last evaluated 2025-12-01.

Conditions:
TIAM1-related disorder. Also called: TIAM1-related condition.

Allele frequency attached by ClinVar (database versions not stated): gnomAD exomes 0.00037; ExAC 0.00124; gnomAD 0.00336; TOPMed 0.00390; ESP Exome Variant Server 0.00408; 1000 Genomes Project 30x 0.00515; 1000 Genomes Project 0.00519.
gnomAD v4.1: 1,093 of 1,614,196 alleles (0.068%); highest among the groups gnomAD compares: African/African-American, 1.2%; 4 homozygotes.

Submissions (4):

CeGaT Center for Human Genetics Tuebingen
Classification: Likely benign. Last evaluated: 2025-12-01. Review status: criteria provided, single submitter. Criteria: CeGaT Center For Human Genetics Tuebingen Variant Classification Criteria Version 2. Collection method: clinical testing. Allele origin: germline. Affected: yes. Observed: 2 variant alleles.
Comment: TIAM1: BP4, BP7, BS1

Blueprint Genetics
Classification: Likely benign. Last evaluated: 2024-11-06. Review status: criteria provided, single submitter. Criteria: ACMG Guidelines, 2015. Collection method: clinical testing. Allele origin: germline.

PreventionGenetics, part of Exact Sciences
Classification: Benign for TIAM1-related condition. Last evaluated: 2024-04-16. Review status: no assertion criteria provided. Collection method: clinical testing. Allele origin: germline. Not counted in ClinVar's aggregate classification.
Comment: This variant is classified as benign based on ACMG/AMP sequence variant interpretation guidelines (Richards et al. 2015 PMID: 25741868, with internal and published modifications).

Dr. Peter K. Rogan Lab, Western University
No classification provided (evidence only). Condition: Colon adenocarcinoma. Review status: no classification provided. Collection method: in vitro. Allele origin: not applicable. Functional consequence: retained intron. Not counted in ClinVar's aggregate classification.